The following is an entry in ClinVar:

ClinVar aggregate classification (germline): Uncertain significance (1 of 4 stars; one submission).

Submission:

Labcorp Genetics (formerly Invitae), Labcorp
Classification: Uncertain significance. Last evaluated: 2023-02-17. Review status: criteria provided, single submitter. Criteria: Invitae Variant Classification Sherloc (09022015). Collection method: clinical testing. Allele origin: germline.
Comment: In summary, the available evidence is currently insufficient to determine the role of this variant in disease. Therefore, it has been classified as a Variant of Uncertain Significance. An algorithm developed to predict the effect of missense changes on protein structure and function (PolyPhen-2) suggests that this variant is likely to be tolerated. ClinVar contains an entry for this variant (Variation ID: 1504197). This variant has not been reported in the literature in individuals affected with LAMC3-related conditions. This variant is not present in population databases (gnomAD no frequency). This sequence change replaces serine, which is neutral and polar, with asparagine, which is neutral and polar, at codon 515 of the LAMC3 protein (p.Ser515Asn).

NM_006059.4(LAMC3):c.1544G>A (p.Ser515Asn)

Gene: LAMC3 (laminin subunit gamma 3; plus strand). Cytogenetic location: 9q34.12.
Variant type: single nucleotide variant.
Coding change: c.1544G>A on transcript NM_006059.4 (MANE Select); coding-DNA position 1544, G replaced by A.
Protein change: p.Ser515Asn; replaces serine 515 with asparagine.
Molecular consequence: missense variant.
Genome position (GRCh38, 1-based): chr9:131,049,044, G>A. VCF-style: chr9-131049044-G-A. GRCh37 (hg19) VCF-style: chr9-133924431-G-A.
Other names: short protein forms S515N.
Identifiers: ClinVar variation 1504197 (VCV001504197.8), dbSNP rs1301675829, ClinGen allele CA375263093.